The following is an entry in ClinVar:

ClinVar aggregate classification (germline): Uncertain significance (1 of 4 stars; one submission).

Conditions:
Early-infantile DEE. Also called: Early infantile epileptic encephalopathy; Ohtahara syndrome; Early infantile epileptic encephalopathy with suppression bursts. Identifiers: Orphanet 1934, MedGen C0393706, MONDO:0800491.

Submission:

Labcorp Genetics (formerly Invitae), Labcorp
Classification: Uncertain significance for Early-infantile DEE. Last evaluated: 2024-08-31. Review status: criteria provided, single submitter. Criteria: Invitae Variant Classification Sherloc (09022015). Collection method: clinical testing. Allele origin: germline.
Comment: This sequence change replaces threonine, which is neutral and polar, with alanine, which is neutral and non-polar, at codon 64 of the KCNH5 protein (p.Thr64Ala). This variant is not present in population databases (gnomAD no frequency). This variant has not been reported in the literature in individuals affected with KCNH5-related conditions. Invitae Evidence Modeling of protein sequence and biophysical properties (such as structural, functional, and spatial information, amino acid conservation, physicochemical variation, residue mobility, and thermodynamic stability) indicates that this missense variant is not expected to disrupt KCNH5 protein function with a negative predictive value of 80%. In summary, the available evidence is currently insufficient to determine the role of this variant in disease. Therefore, it has been classified as a Variant of Uncertain Significance.

NM_139318.5(KCNH5):c.190A>G (p.Thr64Ala)

Gene: KCNH5 (potassium voltage-gated channel subfamily H member 5; minus strand). Cytogenetic location: 14q23.2.
Variant type: single nucleotide variant.
Coding change: c.190A>G on transcript NM_139318.5 (MANE Select); coding-DNA position 190, A replaced by G.
Protein change: p.Thr64Ala; replaces threonine 64 with alanine.
Molecular consequence: missense variant.
Genome position (GRCh38, 1-based): chr14:63,016,838, T>C on the plus strand (A>G on the coding strand, the complement: KCNH5 is on the minus strand). VCF-style: chr14-63016838-T-C. GRCh37 (hg19) VCF-style: chr14-63483556-T-C.
Other names: c.190A>G, p.Thr64Ala (NM_172375.3); short protein forms T64A.
Identifiers: ClinVar variation 3603541 (VCV003603541.2).